The following is an entry in ClinVar:

NM_015272.5(RPGRIP1L):c.3016C>T (p.Pro1006Ser)

Gene: RPGRIP1L (RPGRIP1 like; minus strand). Cytogenetic location: 16q12.2.
Variant type: single nucleotide variant.
Coding change: c.3016C>T on transcript NM_015272.5 (MANE Select); coding-DNA position 3016, C replaced by T.
Protein change: p.Pro1006Ser; replaces proline 1006 with serine.
Molecular consequence: missense variant. On other transcripts: intron variant (2).
Genome position (GRCh38, 1-based): chr16:53,638,354, G>A on the plus strand (C>T on the coding strand, the complement: RPGRIP1L is on the minus strand). VCF-style: chr16-53638354-G-A. GRCh37 (hg19) VCF-style: chr16-53672266-G-A.
Other names: c.3016C>T, p.Pro1006Ser (NM_001308334.3); c.2959-500C>T (NM_001127897.4, NM_001330538.2); c.3016C>T (NM_015272.4); short protein forms P1006S.
Identifiers: ClinVar variation 3580823 (VCV003580823.2).

ClinVar aggregate classification (germline): Uncertain significance. Review status: criteria provided, multiple submitters, no conflicts (2 of 4 stars). 2 submissions from 2 submitters: Uncertain significance (2). Last evaluated 2025-05-07.

Conditions:
Meckel syndrome, type 5 (MKS5). Identifiers: Orphanet 564, MedGen C1969052, MONDO:0012695, OMIM 611561.
COACH syndrome 3. Identifiers: MedGen C5436841, MONDO:0030862, OMIM 619113.
Joubert syndrome 7 (JBTS7). Identifiers: Orphanet 220497, MedGen C1969053, MONDO:0012694, OMIM 611560.
RPGRIP1L-related disorder. Also called: RPGRIP1L-related condition; RPGRIP1L-related disorders. Identifiers: MedGen CN239416.

gnomAD v4.1: 3 of 1,598,310 alleles (0.00019%); highest among the groups gnomAD compares: Non-Finnish European, 0.00017%; no homozygotes.

Submissions (2):

PreventionGenetics, part of Exact Sciences
Classification: Uncertain significance for RPGRIP1L-related condition. Last evaluated: 2025-05-07. Review status: criteria provided, single submitter. Criteria: ACMG Guidelines, 2015. Collection method: clinical testing. Allele origin: germline.
Comment: The RPGRIP1L c.3016C>T variant is predicted to result in the amino acid substitution p.Pro1006Ser. To our knowledge, this variant has not been reported in the literature. This variant is reported in 0.00088% of alleles in individuals of European (Non-Finnish) descent in gnomAD. At this time, the clinical significance of this variant is uncertain due to the absence of conclusive functional and genetic evidence.

Fulgent Genetics
Classification: Uncertain significance for Joubert syndrome 7; Meckel syndrome, type 5; COACH syndrome 3. Last evaluated: 2024-01-30. Review status: criteria provided, single submitter. Criteria: ACMG Guidelines, 2015. Collection method: clinical testing. Allele origin: germline.